The following is an entry in ClinVar:

ClinVar aggregate classification (germline): Uncertain significance (1 of 4 stars; one submission).

Conditions:
Chilton-Okur-Chung neurodevelopmental syndrome (CHOCNS). Identifiers: MedGen C5677022, MONDO:0859239, OMIM 619841.

Submission:

3billion
Classification: Uncertain significance for Chilton-Okur-Chung neurodevelopmental syndrome. Last evaluated: 2025-08-22. Review status: criteria provided, single submitter. Criteria: ACMG Guidelines, 2015. Collection method: clinical testing. Allele origin: germline. Affected: yes.
Comment: The variant is not observed in the gnomAD v4.1.0 dataset. Predicted Consequence/Location: Intron variant In silico tools predict the variant to alter splicing and produce an abnormal transcript [SpliceAI: 0.26 (>=0.2, moderate evidence for spliceogenicity)]. Therefore, this variant is classified as VUS according to the recommendation of ACMG/AMP guideline.

NM_006035.4(CDC42BPB):c.5004+674A>G

Gene: CDC42BPB (CDC42 binding protein kinase beta; minus strand). Cytogenetic location: 14q32.32.
Variant type: single nucleotide variant.
Coding change: c.5004+674A>G on transcript NM_006035.4 (MANE Select); 674 bases into the intron after coding-DNA position 5004, A replaced by G.
Molecular consequence: intron variant.
Genome position (GRCh38, 1-based): chr14:102,937,430, T>C on the plus strand (A>G on the coding strand, the complement: CDC42BPB is on the minus strand). VCF-style: chr14-102937430-T-C. GRCh37 (hg19) VCF-style: chr14-103403767-T-C.
Other names: c.4926+674A>G (NM_001411054.1).
Identifiers: ClinVar variation 4854840 (VCV004854840.1).
Genomic context (GRCh38, chr14:102,937,430, plus strand): 5'-GACGCTGACCTTGGCAGAACCAGCAACATGTGCAAGGCATCTGCCCGTCCGTTCGGCAGC[T>C]GATGTTAAAACATCTCAGTGCTGGGGCTGAGATGTGTGGTGGAGAGATGAGCATGGCCCC-3'